The following is an entry in ClinVar:

ClinVar aggregate classification (germline): Uncertain significance. Review status: criteria provided, multiple submitters, no conflicts (2 of 4 stars). 4 submissions from 4 submitters: Uncertain significance (4). Last evaluated 2025-05-24.

Conditions:
COL18A1-related disorder. Also called: COL18A1-related disorders; COL18A1-related condition.

Allele frequency attached by ClinVar (database versions not stated): TOPMed 0.00002; gnomAD 0.00003 and 0.00004; gnomAD exomes 0.00007; ExAC 0.00013.
gnomAD v4.1: 61 of 1,534,270 alleles (0.004%); highest among the groups gnomAD compares: Middle Eastern, 0.018%; no homozygotes.

Submissions (4):

PreventionGenetics, part of Exact Sciences
Classification: Uncertain significance for COL18A1-related condition. Last evaluated: 2025-05-24. Review status: criteria provided, single submitter. Criteria: ACMG Guidelines, 2015. Collection method: clinical testing. Allele origin: germline.
Comment: The COL18A1 c.3944C>T variant is predicted to result in the amino acid substitution p.Pro1315Leu. To our knowledge, this variant has not been reported in the literature. This variant is reported in 0.017% of alleles in individuals of South Asian descent in gnomAD. At this time, the clinical significance of this variant is uncertain due to the absence of conclusive functional and genetic evidence.

Labcorp Genetics (formerly Invitae), Labcorp
Classification: Uncertain significance. Last evaluated: 2022-09-27. Review status: criteria provided, single submitter. Criteria: Invitae Variant Classification Sherloc (09022015). Collection method: clinical testing. Allele origin: germline.
Comment: This sequence change replaces proline, which is neutral and non-polar, with leucine, which is neutral and non-polar, at codon 1135 of the COL18A1 protein (p.Pro1135Leu). The frequency data for this variant in the population databases is considered unreliable, as metrics indicate poor data quality at this position in the gnomAD database. This variant has not been reported in the literature in individuals affected with COL18A1-related conditions. ClinVar contains an entry for this variant (Variation ID: 373485). Experimental studies and prediction algorithms are not available or were not evaluated, and the functional significance of this variant is currently unknown. In summary, the available evidence is currently insufficient to determine the role of this variant in disease. Therefore, it has been classified as a Variant of Uncertain Significance.

Blueprint Genetics
Classification: Uncertain significance. Last evaluated: 2022-09-26. Review status: criteria provided, single submitter. Criteria: ACMG Guidelines, 2015. Collection method: clinical testing. Allele origin: germline.

GeneDx
Classification: Uncertain significance. Last evaluated: 2016-12-05. Review status: criteria provided, single submitter. Criteria: GeneDx Variant Classification (06012015). Collection method: clinical testing. Allele origin: germline. Affected: yes.
Comment: The P1135L variant in the COL18A1 gene has not been reported previously as a pathogenic variant, nor as a benign variant, to our knowledge. This variant was not observed with any significant frequency in the Exome Aggregation Consortium (ExAC) data set, indicating it is not a common benign variant. The P1135L variant is a semi-conservative amino acid substitution, which may impact secondary protein structure as these residues differ in some properties. This substitution occurs at a position that is not conserved. In silico analysis predicts this variant is probably damaging to the protein structure/function. We interpret P1135L as a variant of uncertain significance.

NM_001379500.1(COL18A1):c.3413C>T (p.Pro1138Leu)

Genes: COL18A1 (collagen type XVIII alpha 1 chain; plus strand), SLC19A1 (solute carrier family 19 member 1; minus strand). Cytogenetic location: 21q22.3.
Variant type: single nucleotide variant.
Coding change: c.3413C>T on transcript NM_001379500.1 (MANE Select); coding-DNA position 3413, C replaced by T.
Protein change: p.Pro1138Leu; replaces proline 1138 with leucine.
Molecular consequence: missense variant.
Genome position (GRCh38, 1-based): chr21:45,509,519, C>T. VCF-style: chr21-45509519-C-T. GRCh37 (hg19) VCF-style: chr21-46929433-C-T.
Other names: NM_130445.2:c.3404C>T; c.3944C>T (NM_030582.3); c.3944C>T, p.Pro1315Leu (NM_030582.4); c.4649C>T, p.Pro1550Leu (NM_130444.3); short protein forms P1315L, P1550L, P1138L.
Identifiers: ClinVar variation 373485 (VCV000373485.6), dbSNP rs749512380, ClinGen allele CA10067882.